The following is an entry in ClinVar:

ClinVar aggregate classification (germline): Uncertain significance. Review status: criteria provided, multiple submitters, no conflicts (2 of 4 stars). 3 submissions from 3 submitters: Uncertain significance (3). Last evaluated 2026-01-11.

Conditions:
Inborn genetic diseases. Identifiers: MedGen C0950123, MeSH D030342.
Currarino triad. Identifiers: Orphanet 1552, MedGen C1531773, MONDO:0008305, OMIM 176450.

Allele frequency attached by ClinVar (database versions not stated): TOPMed 0.00005; gnomAD 0.00006; gnomAD exomes 0.00010; ExAC 0.00019.
gnomAD v4.1: 76 of 1,511,758 alleles (0.005%); highest among the groups gnomAD compares: Non-Finnish European, 0.0025%; no homozygotes.

Submissions (3):

Labcorp Genetics (formerly Invitae), Labcorp
Classification: Uncertain significance. Last evaluated: 2026-01-11. Review status: criteria provided, single submitter. Criteria: Invitae Variant Classification Sherloc (09022015). Collection method: clinical testing. Allele origin: germline.
Comment: This sequence change replaces alanine, which is neutral and non-polar, with glycine, which is neutral and non-polar, at codon 170 of the MNX1 protein (p.Ala170Gly). This variant is present in population databases (rs746725337, gnomAD 0.07%), and has an allele count higher than expected for a pathogenic variant. This variant has not been reported in the literature in individuals affected with MNX1-related conditions. ClinVar contains an entry for this variant (Variation ID: 1047679). An algorithm developed to predict the effect of missense changes on protein structure and function (PolyPhen-2) suggests that this variant is likely to be tolerated. In summary, the available evidence is currently insufficient to determine the role of this variant in disease. Therefore, it has been classified as a Variant of Uncertain Significance.

Fulgent Genetics
Classification: Uncertain significance for Currarino triad. Last evaluated: 2024-03-18. Review status: criteria provided, single submitter. Criteria: ACMG Guidelines, 2015. Collection method: clinical testing. Allele origin: germline.

Ambry Genetics
Classification: Uncertain significance for Inborn genetic diseases. Last evaluated: 2023-08-19. Review status: criteria provided, single submitter. Criteria: Ambry Variant Classification Scheme 2023. Collection method: clinical testing. Allele origin: germline.

NM_005515.4(MNX1):c.509C>G (p.Ala170Gly)

Genes: MNX1 (motor neuron and pancreas homeobox 1; minus strand), LOC129999735 (ATAC-STARR-seq lymphoblastoid silent region 18857; plus strand). Cytogenetic location: 7q36.3.
Variant type: single nucleotide variant.
Coding change: c.509C>G on transcript NM_005515.4 (MANE Select); coding-DNA position 509, C replaced by G.
Protein change: p.Ala170Gly; replaces alanine 170 with glycine.
Molecular consequence: missense variant.
Genome position (GRCh38, 1-based): chr7:157,009,842, G>C on the plus strand (C>G on the coding strand, the complement: MNX1 is on the minus strand). VCF-style: chr7-157009842-G-C. GRCh37 (hg19) VCF-style: chr7-156802536-G-C.
Other names: c.509C>G (NM_005515.3); short protein forms A170G.
Identifiers: ClinVar variation 1047679 (VCV001047679.13), dbSNP rs746725337, ClinGen allele CA4589287.
Genomic context (GRCh38, chr7:157,009,842, plus strand): 5'-TGCACCTGCGGGTACGAGTAGGAGAGCGCCGGGTGCTGGCCCGCCAGCGCAGCCGCCGCC[G>C]CCGCCGCGGAGTAGCCGTAGACCGGGTGGCCGTAGAGCGCCGCCTGCGCCGGGAGGCCCG-3'
Protein context (NP_005506.3, residues 160-180): GHPVYGYSAA[Ala170Gly]AAAALAGQHP